The following is an entry in ClinVar:

ClinVar aggregate classification (germline): Uncertain significance. Review status: criteria provided, multiple submitters, no conflicts (2 of 4 stars). 2 submissions from 2 submitters: Uncertain significance (2). Last evaluated 2023-12-02.

Conditions:
Hereditary cancer-predisposing syndrome. Also called: Tumor predisposition; Hereditary Cancer Syndrome; Hereditary neoplastic syndrome; Neoplastic Syndromes, Hereditary. Identifiers: Orphanet 140162, MedGen C0027672, MeSH D009386, MONDO:0015356.

Submissions (2):

Ambry Genetics
Classification: Uncertain significance for Hereditary cancer-predisposing syndrome. Last evaluated: 2023-12-02. Review status: criteria provided, single submitter. Criteria: Ambry Variant Classification Scheme 2023. Collection method: clinical testing. Allele origin: germline.
Comment: The p.S3R variant (also known as c.7A>C), located in coding exon 1 of the NTHL1 gene, results from an A to C substitution at nucleotide position 7. The serine at codon 3 is replaced by arginine, an amino acid with dissimilar properties. This amino acid position is conserved. In addition, this alteration is predicted to be tolerated by in silico analysis. Since supporting evidence is limited at this time, the clinical significance of this alteration remains unclear.

Labcorp Genetics (formerly Invitae), Labcorp
Classification: Uncertain significance. Last evaluated: 2023-10-12. Review status: criteria provided, single submitter. Criteria: Invitae Variant Classification Sherloc (09022015). Collection method: clinical testing. Allele origin: germline.
Comment: This sequence change replaces serine, which is neutral and polar, with arginine, which is basic and polar, at codon 3 of the NTHL1 protein (p.Ser3Arg). This variant is not present in population databases (gnomAD no frequency). This variant has not been reported in the literature in individuals affected with NTHL1-related conditions. ClinVar contains an entry for this variant (Variation ID: 2109029). An algorithm developed to predict the effect of missense changes on protein structure and function (PolyPhen-2) suggests that this variant is likely to be disruptive. In summary, the available evidence is currently insufficient to determine the role of this variant in disease. Therefore, it has been classified as a Variant of Uncertain Significance.

NC_000016.10:g.2047841T>G

Genes: NTHL1 (nth like DNA glycosylase 1; minus strand), LOC130058209 (ATAC-STARR-seq lymphoblastoid active region 10253; plus strand). Cytogenetic location: 16p13.3.
Variant type: single nucleotide variant.
Genome position: GRCh38 VCF-style: chr16-2047841-T-G. GRCh37 (hg19) VCF-style: chr16-2097842-T-G.
Identifiers: ClinVar variation 2109029 (VCV002109029.5), dbSNP rs2150959158, ClinGen allele CA394298913.